The following is an entry in ClinVar:

ClinVar aggregate classification (germline): Uncertain significance (1 of 4 stars; one submission).

Allele frequency attached by ClinVar (database versions not stated): gnomAD exomes 0.00001; gnomAD 0.00002; TOPMed 0.00002; ESP Exome Variant Server 0.00008.
gnomAD v4.1: 6 of 1,613,556 alleles (0.00037%); highest among the groups gnomAD compares: African/African-American, 0.0067%; no homozygotes.

Submission:

Labcorp Genetics (formerly Invitae), Labcorp
Classification: Uncertain significance. Last evaluated: 2024-02-23. Review status: criteria provided, single submitter. Criteria: Invitae Variant Classification Sherloc (09022015). Collection method: clinical testing. Allele origin: germline.
Comment: This sequence change replaces proline, which is neutral and non-polar, with arginine, which is basic and polar, at codon 204 of the PLTP protein (p.Pro204Arg). This variant is present in population databases (rs143448263, gnomAD 0.01%). This variant has not been reported in the literature in individuals affected with PLTP-related conditions. ClinVar contains an entry for this variant (Variation ID: 1940090). An algorithm developed to predict the effect of missense changes on protein structure and function (PolyPhen-2) suggests that this variant is likely to be disruptive. In summary, the available evidence is currently insufficient to determine the role of this variant in disease. Therefore, it has been classified as a Variant of Uncertain Significance.

NM_006227.4(PLTP):c.611C>G (p.Pro204Arg)

Gene: PLTP (phospholipid transfer protein; minus strand). Cytogenetic location: 20q13.12.
Variant type: single nucleotide variant.
Coding change: c.611C>G on transcript NM_006227.4 (MANE Select); coding-DNA position 611, C replaced by G.
Protein change: p.Pro204Arg; replaces proline 204 with arginine.
Molecular consequence: missense variant.
Genome position (GRCh38, 1-based): chr20:45,907,694, G>C on the plus strand (C>G on the coding strand, the complement: PLTP is on the minus strand). VCF-style: chr20-45907694-G-C. GRCh37 (hg19) VCF-style: chr20-44536333-G-C.
Other names: c.326C>G, p.Pro109Arg (NM_001242920.2); c.347C>G, p.Pro116Arg (NM_001242921.1); c.455C>G, p.Pro152Arg (NM_182676.3); short protein forms P109R, P152R, P116R, P204R.
Identifiers: ClinVar variation 1940090 (VCV001940090.5), dbSNP rs143448263, ClinGen allele CA315611380.
Genomic context (GRCh38, chr20:45,907,694, plus strand): 5'-CCTGCTCTGAGGTGCTGCATGACAGCTGCACACCCAGACTCACCCGCCACCAACTCACCA[G>C]GCACGGTGTCCAGGAGGGAGTTGAGCAGGACCGTCCCTGCGTGGTAGAGGACAGGGCAGA-3'
Protein context (NP_006218.1, residues 194-214): VLLNSLLDTV[Pro204Arg]VRSSVDELVG